The following is an entry in ClinVar:

ClinVar aggregate classification (germline): Pathogenic. Review status: criteria provided, multiple submitters, no conflicts (2 of 4 stars). 3 submissions from 3 submitters: Pathogenic (3). Last evaluated 2020-12-09.

Conditions:
Cornelia de Lange syndrome 5 (CDLS5). Also called: HDAC8-Related Cornelia de Lange Syndrome. Identifiers: Orphanet 199, MedGen C3550903, MONDO:0010471, OMIM 300882.

Submissions (3):

Labcorp Genetics (formerly Invitae), Labcorp
Classification: Pathogenic for Cornelia de Lange syndrome 5. Last evaluated: 2020-12-09. Review status: criteria provided, single submitter. Criteria: Invitae Variant Classification Sherloc (09022015). Collection method: clinical testing. Allele origin: germline.
Comment: For these reasons, this variant has been classified as Pathogenic. This variant has not been reported in the literature in individuals with HDAC8-related conditions. ClinVar contains an entry for this variant (Variation ID: 280671). This variant is not present in population databases (ExAC no frequency). This sequence change creates a premature translational stop signal (p.Gln263*) in the HDAC8 gene. It is expected to result in an absent or disrupted protein product. Loss-of-function variants in HDAC8 are known to be pathogenic (PMID: 19605684, 22885700, 24403048, 25075551, 26671848).

Equipe Genetique des Anomalies du Developpement, Université de Bourgogne
Classification: Pathogenic for Cornelia de Lange syndrome 5. Last evaluated: 2017-10-02. Review status: criteria provided, single submitter. Criteria: ACMG Guidelines, 2015. Collection method: clinical testing. Allele origin: de novo. Affected: yes. Study: Clinvar_gadteam_Clinical_exome_analysis_3.

GeneDx
Classification: Pathogenic. Last evaluated: 2016-06-23. Review status: criteria provided, single submitter. Criteria: GeneDx Variant Classification (06012015). Collection method: clinical testing. Allele origin: germline. Affected: yes.
Comment: The Q263X pathogenic variant in the HDAC8 gene has not been reported previously as a pathogenic variant nor as a benign variant, to our knowledge. This variant is predicted to cause loss of normal protein function either through protein truncation or nonsense-mediated mRNA decay. The Q263X variant was not observed in approximately 6500 individuals of European and African American ancestry in the NHLBI Exome Sequencing Project, indicating it is not a common benign variant in these populations. We interpret Q263X as a pathogenic variant

Literature cited by the submitters: PubMed 19605684 (cited by Labcorp Genetics (formerly Invitae), Labcorp); PubMed 22885700 (cited by Labcorp Genetics (formerly Invitae), Labcorp); PubMed 24403048 (cited by Labcorp Genetics (formerly Invitae), Labcorp); PubMed 25075551 (cited by Labcorp Genetics (formerly Invitae), Labcorp); PubMed 26671848 (cited by Labcorp Genetics (formerly Invitae), Labcorp).

NM_018486.3(HDAC8):c.787C>T (p.Gln263Ter)

Gene: HDAC8 (histone deacetylase 8; minus strand). Cytogenetic location: Xq13.1.
Variant type: single nucleotide variant.
Coding change: c.787C>T on transcript NM_018486.3 (MANE Select); coding-DNA position 787, C replaced by T.
Protein change: p.Gln263Ter; replaces glutamine 263 with a stop codon.
Molecular consequence: nonsense. On other transcripts: non-coding transcript variant (1).
Genome position (GRCh38, 1-based): chrX:72,464,682, G>A on the plus strand (C>T on the coding strand, the complement: HDAC8 is on the minus strand). VCF-style: chrX-72464682-G-A. GRCh37 (hg19) VCF-style: chrX-71684532-G-A.
Other names: c.514C>T, p.Gln172Ter (NM_001166418.2); short protein forms Q263*, Q172*.
Identifiers: ClinVar variation 280671 (VCV000280671.7), dbSNP rs886041838, ClinGen allele CA10603691.
Genomic context (GRCh38, chrX:72,464,682, plus strand): 5'-CCACTGGAGTCATGTTAAAGGAGCACATGGGATCCCCAGCTATTGTGTCAGCTCCCAGCT[G>A]TAAGACCACTGCTTTGGGATTAAAGGCTTGGTATACTTCCTTTAGTACACTATATAAAAT-3'